The following is an entry in ClinVar:

ClinVar aggregate classification (germline): Pathogenic (1 of 4 stars; one submission).

Conditions:
USH2A-related disorder. Also called: USH2A-related condition; USH2A-related disorders. Identifiers: MedGen CN239332.

Submission:

Myriad Genetics, Inc.
Classification: Pathogenic for USH2A-related disorder. Last evaluated: 2026-01-08. Review status: criteria provided, single submitter. Criteria: Myriad Autosomal Dominant, Autosomal Recessive and X-Linked Classification Criteria (2023). Collection method: clinical testing. Allele origin: unknown.
Comment: NM_206933.2(USH2A):c.4584T>A(C1528*) is a nonsense variant classified as pathogenic in the context of USH2A-related disorders. C1528* has not been observed in cases with relevant disease. Relevant functional assessments of this variant are not available in the literature. C1528* has not been observed in referenced population frequency databases. In summary, NM_206933.2(USH2A):c.4584T>A(C1528*) is a nonsense variant in a gene where loss of function is a known mechanism of disease and is predicted to disrupt protein function. Please note: this variant was assessed in the context of healthy population screening.

NM_206933.4(USH2A):c.4584T>A (p.Cys1528Ter)

Gene: USH2A (usherin; minus strand). Cytogenetic location: 1q41.
Variant type: single nucleotide variant.
Coding change: c.4584T>A on transcript NM_206933.4 (MANE Select); coding-DNA position 4584, T replaced by A.
Protein change: p.Cys1528Ter; replaces cysteine 1528 with a stop codon.
Molecular consequence: nonsense.
Genome position (GRCh38, 1-based): chr1:216,175,295, A>T on the plus strand (T>A on the coding strand, the complement: USH2A is on the minus strand). VCF-style: chr1-216175295-A-T. GRCh37 (hg19) VCF-style: chr1-216348637-A-T.
Other names: c.4584T>A, p.Cys1528Ter (NM_007123.6); short protein forms C1528*.
Identifiers: ClinVar variation 5004377 (VCV005004377.1).